The following is an entry in ClinVar:

ClinVar aggregate classification (germline): Uncertain significance (1 of 4 stars; one submission).

Conditions:
Hereditary cancer-predisposing syndrome. Also called: Tumor predisposition; Hereditary Cancer Syndrome; Hereditary neoplastic syndrome; Neoplastic Syndromes, Hereditary. Identifiers: Orphanet 140162, MedGen C0027672, MeSH D009386, MONDO:0015356.

Submission:

Ambry Genetics
Classification: Uncertain significance for Hereditary cancer-predisposing syndrome. Last evaluated: 2025-11-10. Review status: criteria provided, single submitter. Criteria: Ambry Variant Classification Scheme 2023. Collection method: clinical testing. Allele origin: germline.
Comment: The p.T377I variant (also known as c.1130C>T), located in coding exon 12 of the RB1 gene, results from a C to T substitution at nucleotide position 1130. The threonine at codon 377 is replaced by isoleucine, an amino acid with similar properties. This amino acid position is conserved. In addition, the in silico prediction for this alteration is inconclusive. Based on the available evidence, the clinical significance of this variant remains unclear.

NM_000321.3(RB1):c.1130C>T (p.Thr377Ile)

Gene: RB1 (RB transcriptional corepressor 1; plus strand). Cytogenetic location: 13q14.2.
Variant type: single nucleotide variant.
Coding change: c.1130C>T on transcript NM_000321.3 (MANE Select); coding-DNA position 1130, C replaced by T.
Protein change: p.Thr377Ile; replaces threonine 377 with isoleucine.
Molecular consequence: missense variant.
Genome position (GRCh38, 1-based): chr13:48,373,407, C>T. VCF-style: chr13-48373407-C-T. GRCh37 (hg19) VCF-style: chr13-48947543-C-T.
Other names: c.1130C>T, p.Thr377Ile (NM_001407165.1, NM_001407166.1); short protein forms T377I.
Identifiers: ClinVar variation 4544202 (VCV004544202.1).